The following is an entry in ClinVar:

ClinVar aggregate classification (germline): Conflicting classifications of pathogenicity. Review status: criteria provided, conflicting classifications (1 of 4 stars). 2 submissions from 2 submitters: Uncertain significance (1); Likely benign (1). Last evaluated 2024-09-15.

Conditions:
Charcot-Marie-Tooth disease type 2. Also called: Charcot-Marie-Tooth type 2. Identifiers: Orphanet 64746, MedGen C0270914, MONDO:0018993.

gnomAD v4.1: 1 of 1,614,216 alleles (0.000062%); highest among the groups gnomAD compares: East Asian, 0.0022%; no homozygotes.

Submissions (2):

Labcorp Genetics (formerly Invitae), Labcorp
Classification: Likely benign for Charcot-Marie-Tooth disease type 2. Last evaluated: 2024-09-15. Review status: criteria provided, single submitter. Criteria: Invitae Variant Classification Sherloc (09022015). Collection method: clinical testing. Allele origin: germline.

CeGaT Center for Human Genetics Tuebingen
Classification: Uncertain significance. Last evaluated: 2024-07-01. Review status: criteria provided, single submitter. Criteria: CeGaT Center For Human Genetics Tuebingen Variant Classification Criteria Version 2. Collection method: clinical testing. Allele origin: germline. Affected: yes. Observed: 1 variant allele.
Comment: AARS1: PM2:Supporting, BP4

NM_001605.3(AARS1):c.1572G>A (p.Glu524=)

Gene: AARS1 (alanyl-tRNA synthetase 1; minus strand). Cytogenetic location: 16q22.1.
Variant type: single nucleotide variant.
Coding change: c.1572G>A on transcript NM_001605.3 (MANE Select); coding-DNA position 1572, G replaced by A.
Protein change: p.Glu524=; no amino-acid change (glutamic acid 524 retained).
Molecular consequence: synonymous variant.
Genome position (GRCh38, 1-based): chr16:70,262,445, C>T on the plus strand (G>A on the coding strand, the complement: AARS1 is on the minus strand). VCF-style: chr16-70262445-C-T. GRCh37 (hg19) VCF-style: chr16-70296348-C-T.
Identifiers: ClinVar variation 3257094 (VCV003257094.19).
Genomic context (GRCh38, chr16:70,262,445, plus strand): 5'-GTCATAGATCTGGCCTCCTTGCTCAGCATAGAAACAGGTCTTGTCCAGCACCACTCCACA[C>T]TCCTGGCCTGTGGACACCTCTTCCACGAACATCTTCTCCCTGCGCAGAGCCATCACCGTA-3'
Protein context (NP_001596.2, residues 514-534): MFVEEVSTGQ[Glu524=]CGVVLDKTCF